The following is an entry in ClinVar:

NM_030962.4(SBF2):c.3056A>T (p.Gln1019Leu)

Genes: SBF2 (SET binding factor 2; minus strand), LOC101928008 (uncharacterized LOC101928008; plus strand). Cytogenetic location: 11p15.4.
Variant type: single nucleotide variant.
Coding change: c.3056A>T on transcript NM_030962.4 (MANE Select); coding-DNA position 3056, A replaced by T.
Protein change: p.Gln1019Leu; replaces glutamine 1019 with leucine.
Molecular consequence: missense variant.
Genome position (GRCh38, 1-based): chr11:9,845,619, T>A on the plus strand (A>T on the coding strand, the complement: SBF2 is on the minus strand). VCF-style: chr11-9845619-T-A. GRCh37 (hg19) VCF-style: chr11-9867166-T-A.
Other names: c.3056A>T, p.Gln1019Leu (NM_001386339.1); c.2927A>T, p.Gln976Leu (NM_001386342.1); short protein forms Q1019L, Q976L.
Identifiers: ClinVar variation 448239 (VCV000448239.16), dbSNP rs201964421, ClinGen allele CA5881388.
Genomic context (GRCh38, chr11:9,845,619, plus strand): 5'-TCTTACCGAAAAGAAGTGTTCTTTTCCTTCTGTTTTGGTAAAATTATTTGTGGGGTAGTT[T>A]GTCCAGCAGCAAAAGCAAAGGTACTGAAAATGGACTGAGGATAACGGAACTTCATCAGCT-3'
Protein context (NP_112224.1, residues 1009-1029): IFSTFAFAAG[Gln1019Leu]TTPQIILPKQ

ClinVar aggregate classification (germline): Conflicting classifications of pathogenicity. Review status: criteria provided, conflicting classifications (1 of 4 stars). 5 submissions from 5 submitters: Uncertain significance (2); Likely benign (2). 1 of the submissions does not count toward it. Last evaluated 2026-04-07.

Conditions:
SBF2-related disorder. Also called: SBF2-related condition.
Inborn genetic diseases. Identifiers: MedGen C0950123, MeSH D030342.
Charcot-Marie-Tooth disease type 4. Also called: Charcot-Marie-Tooth disease, type IV; Charcot-Marie-Tooth, Type 4. Identifiers: Orphanet 64749, MedGen C4082197, MONDO:0018995.

Allele frequency attached by ClinVar (database versions not stated): gnomAD exomes 0.00008 and 0.00032; gnomAD 0.00010 and 0.00012; TOPMed 0.00017; 1000 Genomes Project 0.00020; ExAC 0.00030; 1000 Genomes Project 30x 0.00047.
gnomAD v4.1: 143 of 1,614,010 alleles (0.0089%); highest among the groups gnomAD compares: East Asian, 0.29%; 1 homozygote.

Submissions (5):

GeneDx
Classification: Uncertain significance. Last evaluated: 2026-04-07. Review status: criteria provided, single submitter. Criteria: GeneDx Variant Classification Process June 2021. Collection method: clinical testing. Allele origin: germline.
Comment: Reported previously as a variant of uncertain significance in patients with Charcot-Marie-Tooth disease; however, no further information was provided (PMID: 34255403); In silico analysis suggests that this missense variant does not alter protein structure/function; This variant is associated with the following publications: (PMID: 38439105, 34255403)

Labcorp Genetics (formerly Invitae), Labcorp
Classification: Likely benign for Charcot-Marie-Tooth disease type 4. Last evaluated: 2025-04-07. Review status: criteria provided, single submitter. Criteria: Invitae Variant Classification Sherloc (09022015). Collection method: clinical testing. Allele origin: germline.

Ambry Genetics
Classification: Likely benign for Inborn genetic diseases. Last evaluated: 2020-07-30. Review status: criteria provided, single submitter. Criteria: Ambry Variant Classification Scheme 2023. Collection method: clinical testing. Allele origin: germline.

Athena Diagnostics
Classification: Uncertain significance. Last evaluated: 2017-07-28. Review status: criteria provided, single submitter. Criteria: Athena Diagnostics Criteria. Collection method: clinical testing. Allele origin: germline.

PreventionGenetics, part of Exact Sciences
Classification: Likely benign for SBF2-related condition. Last evaluated: 2020-10-26. Review status: no assertion criteria provided. Collection method: clinical testing. Allele origin: germline. Not counted in ClinVar's aggregate classification.
Comment: This variant is classified as likely benign based on ACMG/AMP sequence variant interpretation guidelines (Richards et al. 2015 PMID: 25741868, with internal and published modifications).